The following is an entry in ClinVar:

NM_001374736.1(DST):c.16781_16784del (p.Arg5594fs)

Gene: DST (dystonin; minus strand). Cytogenetic location: 6p12.1.
Variant type: Deletion.
Coding change: c.16781_16784del on transcript NM_001374736.1 (MANE Select); coding-DNA positions 16781 to 16784, 4 bases deleted (GAGC; older notation c.16781_16784delGAGC).
Protein change: p.Arg5594fs; shifts the reading frame from arginine 5594.
Molecular consequence: frameshift variant.
Genome position (GRCh38, 1-based): chr6:56,535,279-56,535,282, GCTC deleted on the plus strand (GAGC on the coding strand, the reverse complement: DST is on the minus strand); deleting any 4 consecutive bases within chr6:56,535,279-56,535,285 gives the same sequence; the c. name uses the placement nearest the transcript's 3' end. VCF-style (leftmost placement, unchanged base first): chr6-56535278-TGCTC-T. GRCh37 (hg19) VCF-style: chr6-56400076-TGCTC-T.
Other names: c.10424_10427del, p.Arg3475fs (NM_001144769.5); c.10010_10013del, p.Arg3337fs (NM_001144770.2); c.16781_16784del, p.Arg5594fs (NM_001374722.1); c.16148_16151del, p.Arg5383fs (NM_001374729.1); c.9890_9893del, p.Arg3297fs (NM_001374730.1, NM_001386100.1, NM_183380.4); c.16808_16811del, p.Arg5603fs (NM_001374734.1); c.8912_8915del, p.Arg2971fs (NM_015548.5); short protein forms R2971fs, R3297fs, R3337fs, R3475fs, R5383fs, R5594fs, R5603fs.
Identifiers: ClinVar variation 3756409 (VCV003756409.2).

ClinVar aggregate classification (germline): Pathogenic (1 of 4 stars; one submission).

Conditions:
Hereditary sensory and autonomic neuropathy type 6. Also called: HSAN VI; Neuropathy, hereditary sensory and autonomic, type VI. Identifiers: Orphanet 314381, MedGen C3539003, MONDO:0013839, OMIM 614653.
Epidermolysis bullosa simplex 3, localized or generalized intermediate, with BP230 deficiency (EBS3). Also called: Epidermolysis bullosa simplex due to BP230 deficiency; Epidermolysis bullosa simplex, autosomal recessive 2. Identifiers: Orphanet 412181, MedGen C3809470, MONDO:0014180, OMIM 615425.

Submission:

Labcorp Genetics (formerly Invitae), Labcorp
Classification: Pathogenic for Epidermolysis bullosa simplex 3, localized or generalized intermediate, with BP230 deficiency; Hereditary sensory and autonomic neuropathy type 6. Last evaluated: 2024-05-18. Review status: criteria provided, single submitter. Criteria: Invitae Variant Classification Sherloc (09022015). Collection method: clinical testing. Allele origin: germline.
Comment: The DST gene has multiple clinically relevant transcripts. This variant occurs in alternate transcript NM_015548.4, and corresponds to NM_001723.5:c.*80235_*80238del in the primary transcript. This sequence change creates a premature translational stop signal (p.Arg2971Glnfs*45) in the DST gene. It is expected to result in an absent or disrupted protein product. Loss-of-function variants in DST are known to be pathogenic (PMID: 22522446, 25059916, 30371979). This variant is not present in population databases (gnomAD no frequency). This variant has not been reported in the literature in individuals affected with DST-related conditions. For these reasons, this variant has been classified as Pathogenic.

Literature cited by the submitters: PubMed 22522446; PubMed 25059916; PubMed 30371979.